The following is an entry in ClinVar:

ClinVar aggregate classification (germline): Uncertain significance. Review status: criteria provided, single submitter (1 of 4 stars). 2 submissions from 2 submitters: Uncertain significance (1). 1 of the submissions does not count toward it. Last evaluated 2021-09-01.

Conditions:
Duchenne muscular dystrophy (DMD). Also called: MUSCULAR DYSTROPHY, PSEUDOHYPERTROPHIC PROGRESSIVE, DUCHENNE TYPE; Duchenne Muscular Dystrophy (DMD). Identifiers: Orphanet 98896, MedGen C0013264, MONDO:0010679, OMIM 310200.
Dystrophin deficiency.
Becker muscular dystrophy (BMD). Also called: MUSCULAR DYSTROPHY, PSEUDOHYPERTROPHIC PROGRESSIVE, BECKER TYPE; Becker Muscular Dystrophy (BMD). Identifiers: Orphanet 98895, MedGen C0917713, MONDO:0010311, OMIM 300376.
Cardiomyopathy (CMYO). Also called: Cardiomyopathies. Identifiers: Orphanet 167848, MedGen C0878544, MONDO:0004994, HP:0001638. Inheritance: Various modes of inheritance.

Allele frequency attached by ClinVar (database versions not stated): gnomAD exomes below 0.00001.
gnomAD v4.1: 1 of 1,210,913 alleles (0.000083%); highest among the groups gnomAD compares: Non-Finnish European, 0.00011%; no homozygotes.

Submissions (2):

Labcorp Genetics (formerly Invitae), Labcorp
Classification: Uncertain significance for Duchenne muscular dystrophy. Last evaluated: 2021-09-01. Review status: criteria provided, single submitter. Criteria: Invitae Variant Classification Sherloc (09022015). Collection method: clinical testing. Allele origin: germline.
Comment: This sequence change replaces aspartic acid with valine at codon 717 of the DMD protein (p.Asp717Val). The aspartic acid residue is highly conserved and there is a large physicochemical difference between aspartic acid and valine. This variant is not present in population databases (ExAC no frequency). This variant has not been reported in the literature in individuals affected with DMD-related conditions. Algorithms developed to predict the effect of missense changes on protein structure and function (SIFT, PolyPhen-2, Align-GVGD) all suggest that this variant is likely to be disruptive. In summary, the available evidence is currently insufficient to determine the role of this variant in disease. Therefore, it has been classified as a Variant of Uncertain Significance.

Natera, Inc.
Classification: Uncertain significance for Becker muscular dystrophy; Cardiomyopathy; Duchenne muscular dystrophy; Dystrophin deficiency. Last evaluated: 2020-03-10. Review status: no assertion criteria provided. Collection method: clinical testing. Allele origin: germline. Not counted in ClinVar's aggregate classification.

NM_004006.3(DMD):c.2150A>T (p.Asp717Val)

Gene: DMD (dystrophin; minus strand). Cytogenetic location: Xp21.1.
Variant type: single nucleotide variant.
Coding change: c.2150A>T on transcript NM_004006.3 (MANE Select); coding-DNA position 2150, A replaced by T.
Protein change: p.Asp717Val; replaces aspartic acid 717 with valine.
Molecular consequence: missense variant.
Genome position (GRCh38, 1-based): chrX:32,545,177, T>A on the plus strand (A>T on the coding strand, the complement: DMD is on the minus strand). VCF-style: chrX-32545177-T-A. GRCh37 (hg19) VCF-style: chrX-32563294-T-A.
Other names: c.2126A>T, p.Asp709Val (NM_000109.4); c.2138A>T, p.Asp713Val (NM_004009.3); c.1781A>T, p.Asp594Val (NM_004010.3); short protein forms D594V, D709V, D713V, D717V.
Identifiers: ClinVar variation 1011065 (VCV001011065.7), dbSNP rs2048851376, ClinGen allele CA412667605.